The following is an entry in ClinVar:

NM_024675.4(PALB2):c.907C>G (p.Leu303Val)

Gene: PALB2 (partner and localizer of BRCA2; minus strand). Cytogenetic location: 16p12.2.
Variant type: single nucleotide variant.
Coding change: c.907C>G on transcript NM_024675.4 (MANE Select); coding-DNA position 907, C replaced by G.
Protein change: p.Leu303Val; replaces leucine 303 with valine.
Molecular consequence: missense variant.
Genome position (GRCh38, 1-based): chr16:23,635,639, G>C on the plus strand (C>G on the coding strand, the complement: PALB2 is on the minus strand). VCF-style: chr16-23635639-G-C. GRCh37 (hg19) VCF-style: chr16-23646960-G-C.
Other names: short protein forms L303V.
Identifiers: ClinVar variation 241573 (VCV000241573.8), dbSNP rs878855125, ClinGen allele CA10583379.
Genomic context (GRCh38, chr16:23,635,639, plus strand): 5'-CCTCTAAATTAGAACTTGTGGGCAGTTGGCCACTTTTACTTATAGCTTTATTTACAAGGA[G>C]GTTATCTGTAGAGACAGTCATTTTTTTGCCTTGTGCCTCCAAACTTACAGGTGAAGTAAA-3'
Protein context (NP_078951.2, residues 293-313): GKKMTVSTDN[Leu303Val]LVNKAISKSG

ClinVar aggregate classification (germline): Uncertain significance (1 of 4 stars; one submission).

Conditions:
Familial cancer of breast. Also called: Hereditary breast cancer; BREAST CANCER, FAMILIAL; hereditary breast carcinoma. Identifiers: Orphanet 227535, MedGen C0346153, MONDO:0016419, OMIM 114480. Disease mechanism: loss of function.

Submission:

Labcorp Genetics (formerly Invitae), Labcorp
Classification: Uncertain significance for Familial cancer of breast. Last evaluated: 2015-11-25. Review status: criteria provided, single submitter. Criteria: Invitae Variant Classification Sherloc (09022015). Collection method: clinical testing. Allele origin: germline.
Comment: This sequence change replaces leucine with valine at codon 303 of the PALB2 protein (p.Leu303Val). The leucine residue is weakly conserved and there is a small physicochemical difference between leucine and valine. Algorithms developed to predict the effect of missense changes on protein structure and function (SIFT, PolyPhen-2, Align-GVGD) all suggest that this variant is likely to be tolerated, but these predictions have not been confirmed by published functional studies. In summary, this is a novel missense change that is not predicted to affect protein function or cause disease. However, the evidence is insufficient at this time to prove that conclusively. It has been classified as a Variant of Uncertain Significance. This variant is not present in population databases (ExAC no frequency) and has not been reported in the literature.